The following is an entry in ClinVar:

ClinVar aggregate classification (germline): Uncertain significance. Review status: criteria provided, multiple submitters, no conflicts (2 of 4 stars). 2 submissions from 2 submitters: Uncertain significance (2). Last evaluated 2024-01-17.

Conditions:
Nemaline myopathy 8 (NEM8). Also called: Nemaline myopathy 8, autosomal recessive. Identifiers: Orphanet 171430, MedGen C3809209, MONDO:0014138, OMIM 615348.
Inborn genetic diseases. Identifiers: MedGen C0950123, MeSH D030342.

Allele frequency attached by ClinVar (database versions not stated): gnomAD exomes 0.00006; ExAC 0.00007; gnomAD 0.00015; TOPMed 0.00015; 1000 Genomes Project 30x 0.00016; 1000 Genomes Project 0.00020; ESP Exome Variant Server 0.00031.
gnomAD v4.1: 42 of 1,613,980 alleles (0.0026%); highest among the groups gnomAD compares: African/African-American, 0.051%; 1 homozygote.

Submissions (2):

Ambry Genetics
Classification: Uncertain significance for Inborn genetic diseases. Last evaluated: 2024-01-17. Review status: criteria provided, single submitter. Criteria: Ambry Variant Classification Scheme 2023. Collection method: clinical testing. Allele origin: germline.

Labcorp Genetics (formerly Invitae), Labcorp
Classification: Uncertain significance for Nemaline myopathy 8. Last evaluated: 2022-07-06. Review status: criteria provided, single submitter. Criteria: Invitae Variant Classification Sherloc (09022015). Collection method: clinical testing. Allele origin: germline.
Comment: This sequence change replaces glycine, which is neutral and non-polar, with valine, which is neutral and non-polar, at codon 279 of the KLHL40 protein (p.Gly279Val). This variant is present in population databases (rs144534091, gnomAD 0.08%). This variant has not been reported in the literature in individuals affected with KLHL40-related conditions. ClinVar contains an entry for this variant (Variation ID: 968075). Algorithms developed to predict the effect of missense changes on protein structure and function (SIFT, PolyPhen-2, Align-GVGD) all suggest that this variant is likely to be tolerated. In summary, the available evidence is currently insufficient to determine the role of this variant in disease. Therefore, it has been classified as a Variant of Uncertain Significance.

NM_152393.4(KLHL40):c.836G>T (p.Gly279Val)

Gene: KLHL40 (kelch like family member 40; plus strand). Cytogenetic location: 3p22.1.
Variant type: single nucleotide variant.
Coding change: c.836G>T on transcript NM_152393.4 (MANE Select); coding-DNA position 836, G replaced by T.
Protein change: p.Gly279Val; replaces glycine 279 with valine.
Molecular consequence: missense variant.
Genome position (GRCh38, 1-based): chr3:42,686,454, G>T. VCF-style: chr3-42686454-G-T. GRCh37 (hg19) VCF-style: chr3-42727946-G-T.
Other names: c.836G>T (NM_152393.2); short protein forms G279V.
Identifiers: ClinVar variation 968075 (VCV000968075.5), dbSNP rs144534091, ClinGen allele CA2336746.